The following is an entry in ClinVar:

NM_001130438.3(SPTAN1):c.356C>G (p.Thr119Ser)

Gene: SPTAN1 (spectrin alpha, non-erythrocytic 1; plus strand). Cytogenetic location: 9q34.11.
Variant type: single nucleotide variant.
Coding change: c.356C>G on transcript NM_001130438.3 (MANE Select); coding-DNA position 356, C replaced by G.
Protein change: p.Thr119Ser; replaces threonine 119 with serine.
Molecular consequence: missense variant.
Genome position (GRCh38, 1-based): chr9:128,568,890, C>G. VCF-style: chr9-128568890-C-G. GRCh37 (hg19) VCF-style: chr9-131331169-C-G.
Other names: c.356C>G, p.Thr119Ser (NM_001195532.2, NM_001363759.2, NM_001363765.2 and 10 more transcripts); c.392C>G, p.Thr131Ser (NM_001375312.2, NM_001375318.1, NM_001438440.1); short protein forms T119S, T131S.
Identifiers: ClinVar variation 4801835 (VCV004801835.1).

ClinVar aggregate classification (germline): Uncertain significance (1 of 4 stars; one submission).

Conditions:
Early-infantile DEE. Also called: Early infantile epileptic encephalopathy; Early infantile epileptic encephalopathy with suppression bursts; Ohtahara syndrome. Identifiers: Orphanet 1934, MedGen C0393706, MONDO:0800491.

Submission:

Labcorp Genetics (formerly Invitae), Labcorp
Classification: Uncertain significance for Early-infantile DEE. Last evaluated: 2025-05-15. Review status: criteria provided, single submitter. Criteria: Invitae Variant Classification Sherloc (09022015). Collection method: clinical testing. Allele origin: germline.
Comment: This sequence change replaces threonine, which is neutral and polar, with serine, which is neutral and polar, at codon 119 of the SPTAN1 protein (p.Thr119Ser). This variant is not present in population databases (gnomAD no frequency). This variant has not been reported in the literature in individuals affected with SPTAN1-related conditions. Invitae Evidence Modeling of protein sequence and biophysical properties (such as structural, functional, and spatial information, amino acid conservation, physicochemical variation, residue mobility, and thermodynamic stability) has been performed for this missense variant. However, the output from this modeling did not meet the statistical confidence thresholds required to predict the impact of this variant on SPTAN1 protein function. In summary, the available evidence is currently insufficient to determine the role of this variant in disease. Therefore, it has been classified as a Variant of Uncertain Significance.